The following is an entry in ClinVar:

ClinVar aggregate classification (germline): Uncertain significance (1 of 4 stars; one submission).

Conditions:
LEPR-related disorder. Also called: LEPR-related condition; LEPR-related disorders.

Allele frequency attached by ClinVar (database versions not stated): gnomAD exomes 0.00003; gnomAD 0.00004; TOPMed 0.00005.
gnomAD v4.1: 12 of 348,804 alleles (0.0034%); highest among the groups gnomAD compares: Non-Finnish European, 0.0061%; no homozygotes.

Submission:

PreventionGenetics, part of Exact Sciences
Classification: Uncertain significance for LEPR-related condition. Last evaluated: 2026-06-23. Review status: criteria provided, single submitter. Criteria: ACMG Guidelines, 2015. Collection method: clinical testing. Allele origin: germline.
Comment: The LEPR c.2703T>A variant is predicted to result in the amino acid substitution p.Ser901Arg. In the NM_002303 transcript this variant corresponds to a deep intronic position (c.2674-5960T>A). To our knowledge, this variant has not been reported in the literature. This variant is reported in 0.0054% of alleles in individuals of European (Non-Finnish) descent in gnomAD. At this time, the clinical significance of this variant is uncertain due to the absence of conclusive functional and genetic evidence.

NM_002303.6(LEPR):c.2674-5960T>A

Gene: LEPR (leptin receptor; plus strand). Cytogenetic location: 1p31.3.
Variant type: single nucleotide variant.
Coding change: c.2674-5960T>A on transcript NM_002303.6 (MANE Select); 5960 bases into the intron before coding-DNA position 2674, T replaced by A.
Molecular consequence: intron variant. On other transcripts: missense variant (2).
Genome position (GRCh38, 1-based): chr1:65,630,231, T>A. VCF-style: chr1-65630231-T-A. GRCh37 (hg19) VCF-style: chr1-66095914-T-A.
Other names: c.2703T>A, p.Ser901Arg (NM_001003680.3, NM_001198687.2); c.2674-2921T>A (NM_001003679.3, NM_001198689.2); short protein forms S901R.
Identifiers: ClinVar variation 3054717 (VCV003054717.3), dbSNP rs1376984677, ClinGen allele CA340684732.
Genomic context (GRCh38, chr1:65,630,231, plus strand): 5'-ACTGTTTACTTATAATTTCCTTTTTAAACAGATGCTTGAAGGCAGCATGTTCGTTAAGAG[T>A]CATCACCACTCCCTAATCTCAAGTACCCAGGGACACAAACACTGCGGAAGGCCACAGGGT-3'